The following is an entry in ClinVar:

ClinVar aggregate classification (germline): Likely pathogenic (1 of 4 stars; one submission).

Conditions:
Global developmental delay, absent or hypoplastic corpus callosum, and dysmorphic facies (GDACCF). Identifiers: MedGen C4310644, MONDO:0014994, OMIM 617260.

Submission:

MVZ Medizinische Genetik Mainz
Classification: Likely pathogenic for Global developmental delay, absent or hypoplastic corpus callosum, and dysmorphic facies. Last evaluated: 2025-10-15. Review status: criteria provided, single submitter. Criteria: UK Practice Guidelines For Variant Classification V4 01 2020. Collection method: clinical testing. Allele origin: germline. Inheritance: Autosomal dominant inheritance. Affected: yes. Observed: 1 variant allele.
Comment: ACMG Criteria: PVS1,PM2_SUP

NM_021964.3(ZNF148):c.917C>G (p.Ser306Ter)

Gene: ZNF148 (zinc finger protein 148; minus strand). Cytogenetic location: 3q21.2.
Variant type: single nucleotide variant.
Coding change: c.917C>G on transcript NM_021964.3 (MANE Select); coding-DNA position 917, C replaced by G.
Protein change: p.Ser306Ter; replaces serine 306 with a stop codon.
Molecular consequence: nonsense.
Genome position (GRCh38, 1-based): chr3:125,233,809, G>C on the plus strand (C>G on the coding strand, the complement: ZNF148 is on the minus strand). VCF-style: chr3-125233809-G-C. GRCh37 (hg19) VCF-style: chr3-124952653-G-C.
Other names: c.917C>G, p.Ser306Ter (NM_001348424.1, NM_001348425.2, NM_001348426.2 and 7 more transcripts); c.791C>G, p.Ser264Ter (NM_001348434.2); short protein forms S264*, S306*.
Identifiers: ClinVar variation 4526485 (VCV004526485.1).